The following is an entry in ClinVar:

ClinVar aggregate classification (germline): Uncertain significance (1 of 4 stars; one submission).

Conditions:
Dilated cardiomyopathy 1G (CMD1G). Identifiers: Orphanet 154, MedGen C1858763, MONDO:0011400, OMIM 604145.
Autosomal recessive limb-girdle muscular dystrophy type 2J (LGMDR10). Also called: Limb-girdle muscular dystrophy, type 2J; MUSCULAR DYSTROPHY, LIMB-GIRDLE, AUTOSOMAL RECESSIVE 10. Identifiers: Orphanet 140922, MedGen C1837342, MONDO:0012127, OMIM 608807.

Submission:

Labcorp Genetics (formerly Invitae), Labcorp
Classification: Uncertain significance for Dilated cardiomyopathy 1G; Autosomal recessive limb-girdle muscular dystrophy type 2J. Last evaluated: 2020-09-09. Review status: criteria provided, single submitter. Criteria: Invitae Variant Classification Sherloc (09022015). Collection method: clinical testing. Allele origin: germline.
Comment: In summary, the available evidence is currently insufficient to determine the role of this variant in disease. Therefore, it has been classified as a Variant of Uncertain Significance. Algorithms developed to predict the effect of missense changes on protein structure and function are unavailable for the TTN gene. This sequence change replaces isoleucine with leucine at codon 34527 of the TTN protein (p.Ile34527Leu). There is a small physicochemical difference between isoleucine and leucine. This variant is not present in population databases (ExAC no frequency). This variant has not been reported in the literature in individuals with TTN-related conditions. This variant is located in the M band of TTN (PMID: 25589632). Variants in this region may be relevant for neuromuscular disorders, but have not been definitively shown to cause cardiomyopathy (PMID: 23975875).

Literature cited by the submitters: PubMed 25589632; PubMed 23975875.

NM_001267550.2(TTN):c.103579A>C (p.Ile34527Leu)

Genes: TTN (titin; minus strand), TTN-AS1 (TTN antisense RNA 1; plus strand). Cytogenetic location: 2q31.2.
Variant type: single nucleotide variant.
Coding change: c.103579A>C on transcript NM_001267550.2 (MANE Select); coding-DNA position 103579, A replaced by C.
Protein change: p.Ile34527Leu; replaces isoleucine 34527 with leucine.
Molecular consequence: missense variant.
Genome position (GRCh38, 1-based): chr2:178,533,036, T>G on the plus strand (A>C on the coding strand, the complement: TTN is on the minus strand). VCF-style: chr2-178533036-T-G. GRCh37 (hg19) VCF-style: chr2-179397763-T-G.
Other names: c.98656A>C, p.Ile32886Leu (NM_001256850.1); c.76384A>C, p.Ile25462Leu (NM_003319.4); c.95875A>C, p.Ile31959Leu (NM_133378.4); c.76759A>C, p.Ile25587Leu (NM_133432.3); c.76960A>C, p.Ile25654Leu (NM_133437.4); short protein forms I25462L, I25587L, I25654L, I31959L, I32886L, I34527L.
Identifiers: ClinVar variation 1012023 (VCV001012023.7), dbSNP rs1689876003, ClinGen allele CA349413975.